The following is an entry in ClinVar:

NM_001367721.1(CASK):c.2T>A (p.Met1Lys)

Gene: CASK (calcium/calmodulin dependent serine protein kinase; minus strand). Cytogenetic location: Xp11.4.
Variant type: single nucleotide variant.
Coding change: c.2T>A on transcript NM_001367721.1 (MANE Select); coding-DNA position 2, T replaced by A.
Protein change: p.Met1Lys; changes the start codon (methionine 1).
Molecular consequence: missense variant, initiator codon variant.
Genome position (GRCh38, 1-based): chrX:41,922,987, A>T on the plus strand (T>A on the coding strand, the complement: CASK is on the minus strand). VCF-style: chrX-41922987-A-T. GRCh37 (hg19) VCF-style: chrX-41782240-A-T.
Other names: c.2T>A, p.Met1Lys (NM_001126054.3, NM_001126055.3, NM_001410745.1 and 1 more transcripts); short protein forms M1K.
Identifiers: ClinVar variation 5019701 (VCV005019701.1).

ClinVar aggregate classification (germline): Uncertain significance (1 of 4 stars; one submission).

Conditions:
FG syndrome 4 (FGS4). Identifiers: MedGen C1845546, MONDO:0010318, OMIM 300422.
Syndromic X-linked intellectual disability Najm type (MICPCH). Also called: MICPCH SYNDROME; Intellectual developmental disorder and microcephaly with pontine and cerebellar hypoplasia; Mental retardation and microcephaly with pontine and cerebellar hypoplasia; MENTAL RETARDATION, X-LINKED, SYNDROMIC, NAJM TYPE; Intellectual Disability and Microcephaly with Pontine and Cerebellar Hypoplasia; Intellectual Disability and Microcephaly with Pontine and Cerebellar Hypoplasia (MICPCH). Identifiers: Orphanet 163937, MedGen C2677903, MONDO:0010417, OMIM 300749.

Submission:

Juno Genomics, Hangzhou Juno Genomics, Inc
Classification: Uncertain significance for FG syndrome 4; Syndromic X-linked intellectual disability Najm type. Review status: criteria provided, single submitter. Criteria: ACMG Guidelines, 2015. Collection method: clinical testing. Allele origin: germline. Affected: yes.
Comment: Absent from controls (or at extremely low frequency if recessive) in Genome Aggregation Database.;De novo (both maternity and paternity confirmed) in a patient with the disease and no family history.;Patient's phenotype or family history is highly specific for a disease with a single genetic etiology.